The following is an entry in ClinVar:

ClinVar aggregate classification (germline): Uncertain significance. Review status: criteria provided, multiple submitters, no conflicts (2 of 4 stars). 3 submissions from 3 submitters: Uncertain significance (3). Last evaluated 2025-04-01.

Allele frequency attached by ClinVar (database versions not stated): TOPMed 0.00003; gnomAD exomes 0.00004; gnomAD 0.00005; ExAC 0.00006.

Submissions (3):

CeGaT Center for Human Genetics Tuebingen
Classification: Uncertain significance. Last evaluated: 2025-04-01. Review status: criteria provided, single submitter. Criteria: CeGaT Center For Human Genetics Tuebingen Variant Classification Criteria Version 2. Collection method: clinical testing. Allele origin: germline. Affected: yes. Observed: 1 variant allele.
Comment: KLC2: PM2

Labcorp Genetics (formerly Invitae), Labcorp
Classification: Uncertain significance. Last evaluated: 2025-03-06. Review status: criteria provided, single submitter. Criteria: Invitae Variant Classification Sherloc (09022015). Collection method: clinical testing. Allele origin: germline.
Comment: This sequence change replaces methionine, which is neutral and non-polar, with threonine, which is neutral and polar, at codon 612 of the KLC2 protein (p.Met612Thr). This variant is present in population databases (rs758527823, gnomAD 0.02%). This variant has not been reported in the literature in individuals affected with KLC2-related conditions. ClinVar contains an entry for this variant (Variation ID: 2726736). Experimental studies and prediction algorithms are not available or were not evaluated, and the functional significance of this variant is currently unknown. In summary, the available evidence is currently insufficient to determine the role of this variant in disease. Therefore, it has been classified as a Variant of Uncertain Significance.

Ambry Genetics
Classification: Uncertain significance. Last evaluated: 2023-12-27. Review status: criteria provided, single submitter. Criteria: Ambry Variant Classification Scheme 2023. Collection method: clinical testing. Allele origin: germline.

NM_001318734.2(KLC2):c.1835T>C (p.Met612Thr)

Gene: KLC2 (kinesin light chain 2; plus strand). Cytogenetic location: 11q13.2.
Variant type: single nucleotide variant.
Coding change: c.1835T>C on transcript NM_001318734.2 (MANE Select); coding-DNA position 1835, T replaced by C.
Protein change: p.Met612Thr; replaces methionine 612 with threonine.
Molecular consequence: missense variant.
Genome position (GRCh38, 1-based): chr11:66,266,922, T>C. VCF-style: chr11-66266922-T-C. GRCh37 (hg19) VCF-style: chr11-66034393-T-C.
Other names: c.1835T>C (NM_001134775.1); c.1604T>C, p.Met535Thr (NM_001134774.2); c.1835T>C, p.Met612Thr (NM_001134775.2, NM_001134776.2, NM_022822.3); short protein forms M535T, M612T.
Identifiers: ClinVar variation 2726736 (VCV002726736.11), dbSNP rs758527823, ClinGen allele CA6117623.